The following is an entry in ClinVar:

NM_000552.5(VWF):c.3103A>G (p.Arg1035Gly)

Gene: VWF (von Willebrand factor; minus strand). Cytogenetic location: 12p13.31.
Variant type: single nucleotide variant.
Coding change: c.3103A>G on transcript NM_000552.5 (MANE Select); coding-DNA position 3103, A replaced by G.
Protein change: p.Arg1035Gly; replaces arginine 1035 with glycine.
Molecular consequence: missense variant.
Genome position (GRCh38, 1-based): chr12:6,025,911, T>C on the plus strand (A>G on the coding strand, the complement: VWF is on the minus strand). VCF-style: chr12-6025911-T-C. GRCh37 (hg19) VCF-style: chr12-6135077-T-C.
Other names: short protein forms R1035G.
Identifiers: ClinVar variation 2920802 (VCV002920802.1), dbSNP rs146648301, ClinGen allele CA6402853.

ClinVar aggregate classification (germline): Uncertain significance (1 of 4 stars; one submission).

Allele frequency attached by ClinVar (database versions not stated): gnomAD exomes 0.00002; ExAC 0.00005; TOPMed 0.00006; ESP Exome Variant Server 0.00008; gnomAD 0.00008; 1000 Genomes Project 0.00020.

Submission:

ARUP Laboratories, Molecular Genetics and Genomics, ARUP Laboratories
Classification: Uncertain significance. Last evaluated: 2023-01-05. Review status: criteria provided, single submitter. Criteria: ARUP Molecular Germline Variant Investigation Process 2024. Collection method: clinical testing. Allele origin: germline.
Comment: The VWF c.3103A>G; p.Arg1035Gly variant (rs146648301), to our knowledge, is not reported in the medical literature or gene specific databases. This variant is found in the general population with an overall allele frequency of 0.005% (14/282,560 alleles) in the Genome Aggregation Database. The arginine at codon 1035 is weakly conserved, and computational analyses predict that this variant is neutral (REVEL: 0.014). Due to limited information, the clinical significance of the p.Arg1035Gly variant is uncertain at this time.